The following is an entry in ClinVar:

NM_000051.4(ATM):c.422dup (p.Cys141fs)

Gene: ATM (ATM serine/threonine kinase; plus strand). Cytogenetic location: 11q22.3.
Variant type: Duplication.
Coding change: c.422dup on transcript NM_000051.4 (MANE Select); coding-DNA position 422, one base duplicated (G; older notation c.422dupG).
Protein change: p.Cys141fs; shifts the reading frame from cysteine 141.
Molecular consequence: frameshift variant.
Genome position (GRCh38, 1-based): chr11:108,235,760, G duplicated. VCF-style (leftmost placement, unchanged base first): chr11-108235759-T-TG. GRCh37 (hg19) VCF-style: chr11-108106486-T-TG.
Other names: c.422dup, p.Cys141fs (NM_001351834.2); short protein forms C141fs.
Identifiers: ClinVar variation 855323 (VCV000855323.7), dbSNP rs2079242252, ClinGen allele CA916080446.
Genomic context (GRCh38, chr11:108,235,759, plus strand): 5'-TTAAATTATATCATGGATACAGTGAAAGATTCATCTAATGGTGCTATTTACGGAGCTGAT[T>TG]GTAGCAACATACTACTCAAAGACATTCTTTCTGTGAGAAAATACTGGTGTGAAATATCTC-3'

ClinVar aggregate classification (germline): Pathogenic (1 of 4 stars; one submission).

Conditions:
Ataxia-telangiectasia syndrome (AT). Also called: Ataxia telangiectasia (A-T); Cerebello-oculocutaneous telangiectasia; Immunodeficiency with ataxia telangiectasia; AT, COMPLEMENTATION GROUP C; ATAXIA-TELANGIECTASIA, COMPLEMENTATION GROUP A; ATAXIA-TELANGIECTASIA, FRESNO VARIANT. Identifiers: Orphanet 100, MedGen C0004135, MONDO:0008840, OMIM 208900.

Submission:

Labcorp Genetics (formerly Invitae), Labcorp
Classification: Pathogenic for Ataxia-telangiectasia syndrome. Last evaluated: 2020-02-27. Review status: criteria provided, single submitter. Criteria: Invitae Variant Classification Sherloc (09022015). Collection method: clinical testing. Allele origin: germline.
Comment: Loss-of-function variants in ATM are known to be pathogenic (PMID: 23807571, 25614872). For these reasons, this variant has been classified as Pathogenic. This variant has not been reported in the literature in individuals with ATM-related conditions. This variant is not present in population databases (ExAC no frequency). This sequence change creates a premature translational stop signal (p.Cys141Trpfs*2) in the ATM gene. It is expected to result in an absent or disrupted protein product.

Literature cited by the submitters: PubMed 23807571; PubMed 25614872.